The following is an entry in ClinVar:

ClinVar aggregate classification (germline): Pathogenic. Review status: criteria provided, single submitter (1 of 4 stars). 5 submissions from 5 submitters: Pathogenic (1). 4 of the submissions do not count toward it. Last evaluated 2021-09-20.

Conditions:
HGD-related disorder. Also called: HGD-related condition.
Alkaptonuria (AKU). Also called: Homogentisic acidura; Alkaptonuric ochronosis; HOMOGENTISIC ACID OXIDASE DEFICIENCY; Alcaptonuria. Identifiers: Orphanet 56, MedGen C0002066, MONDO:0008753, OMIM 203500.

Submissions (5):

Fulgent Genetics
Classification: Pathogenic for Alkaptonuria. Last evaluated: 2021-09-20. Review status: criteria provided, single submitter. Criteria: ACMG Guidelines, 2015. Collection method: clinical testing. Allele origin: unknown.

PreventionGenetics, part of Exact Sciences
Classification: Pathogenic for HGD-related condition. Last evaluated: 2024-04-03. Review status: no assertion criteria provided. Collection method: clinical testing. Allele origin: germline. Not counted in ClinVar's aggregate classification.
Comment: The HGD c.1111dupC variant is predicted to result in a frameshift and premature protein termination (p.His371Profs*4). This variant has been reported in multiple individuals with alkaptonuria (Table 2, referred to as c.1278insC, Muller et al. 1999. PubMed ID: 10482952). This variant is reported in 0.00088% of alleles in individuals of European (non-Finnish) descent in gnomAD and it has been described as a Slovakian founder variant (Muller et al. 1999. PubMed ID: 10482952). Frameshift variants in HGD are expected to be pathogenic. This variant is interpreted as pathogenic.

Counsyl
Classification: Pathogenic for Alkaptonuria. Last evaluated: 2015-12-27. Review status: no assertion criteria provided. Collection method: clinical testing. Allele origin: unknown. Not counted in ClinVar's aggregate classification.

Department Of Human Genetics, Institute Of Clinical And Translational Research, Biomedical Research Center, Slovak Academy Of Sciences
Classification: Pathogenic for Alkaptonuria. Review status: no assertion criteria provided. Collection method: research. Allele origin: germline. Inheritance: Autosomal recessive inheritance. Affected: yes. Observed: 20 variant alleles. Not counted in ClinVar's aggregate classification.
Comment: The variant was originally described in AKU patient in PMID:10482952. It has been submitted to the HGD gene mutation database (DB-ID: AKU_00098).

GeneReviews
No classification provided. Condition: Alkaptonuria. Review status: no classification provided. Collection method: literature only. Allele origin: germline. Not counted in ClinVar's aggregate classification.
Comment: 1 of 4 founder variants in the Slovak population

Literature cited by the submitters: PubMed 10482952 (cited by Department Of Human Genetics, Institute Of Clinical And Translational Research, Biomedical Research Center, Slovak Academy Of Sciences and GeneReviews); PubMed 20301627 (cited by GeneReviews).

NM_000187.4(HGD):c.1111dup (p.His371fs)

Gene: HGD (homogentisate 1,2-dioxygenase; minus strand). Cytogenetic location: 3q13.33.
Variant type: Duplication.
Coding change: c.1111dup on transcript NM_000187.4 (MANE Select); coding-DNA position 1111, one base duplicated (C; older notation c.1111dupC).
Protein change: p.His371fs; shifts the reading frame from histidine 371.
Molecular consequence: frameshift variant.
Genome position (GRCh38, 1-based): chr3:120,633,224, G duplicated on the plus strand (C on the coding strand, the reverse complement: HGD is on the minus strand); the first of 6 consecutive G bases (chr3:120,633,224-120,633,229); duplicating any one gives the same sequence. VCF-style (leftmost placement, unchanged base first): chr3-120633223-T-TG. GRCh37 (hg19) VCF-style: chr3-120352070-T-TG.
Other names: 111_1112insC; c.1111dupC (NM_000187.4); short protein forms H371fs.
Identifiers: ClinVar variation 65573 (VCV000065573.9), dbSNP rs397515516, ClinGen allele CA344902.